The following is an entry in ClinVar:

NM_001903.5(CTNNA1):c.2057A>T (p.Glu686Val)

Gene: CTNNA1 (catenin alpha 1; plus strand). Cytogenetic location: 5q31.2.
Variant type: single nucleotide variant.
Coding change: c.2057A>T on transcript NM_001903.5 (MANE Select); coding-DNA position 2057, A replaced by T.
Protein change: p.Glu686Val; replaces glutamic acid 686 with valine.
Molecular consequence: missense variant.
Genome position (GRCh38, 1-based): chr5:138,930,519, A>T. VCF-style: chr5-138930519-A-T. GRCh37 (hg19) VCF-style: chr5-138266208-A-T.
Other names: c.2057A>T, p.Glu686Val (NM_001323984.2, NM_001323985.2, NM_001290307.3 and 2 more transcripts); c.1964A>T, p.Glu655Val (NM_001323986.2); c.947A>T, p.Glu316Val (NM_001323987.1, NM_001323988.1, NM_001323989.1 and 17 more transcripts); c.608A>T, p.Glu203Val (NM_001324006.1, NM_001324007.1, NM_001324008.1 and 2 more transcripts); c.854A>T, p.Glu285Val (NM_001324011.1); c.1748A>T, p.Glu583Val (NM_001290309.3); c.1688A>T, p.Glu563Val (NM_001290310.3); c.704A>T, p.Glu235Val (NM_001324012.1, NM_001324013.1); short protein forms E203V, E235V, E285V, E316V, E563V, E583V, E655V, E686V.
Identifiers: ClinVar variation 1721201 (VCV001721201.5), dbSNP rs2533848356, ClinGen allele CA361133398.

ClinVar aggregate classification (germline): Uncertain significance (1 of 4 stars; one submission).

Submission:

Labcorp Genetics (formerly Invitae), Labcorp
Classification: Uncertain significance. Last evaluated: 2022-10-07. Review status: criteria provided, single submitter. Criteria: Invitae Variant Classification Sherloc (09022015). Collection method: clinical testing. Allele origin: germline.
Comment: This variant has not been reported in the literature in individuals affected with CTNNA1-related conditions. This variant is not present in population databases (gnomAD no frequency). This sequence change replaces glutamic acid, which is acidic and polar, with valine, which is neutral and non-polar, at codon 686 of the CTNNA1 protein (p.Glu686Val). Advanced modeling of protein sequence and biophysical properties (such as structural, functional, and spatial information, amino acid conservation, physicochemical variation, residue mobility, and thermodynamic stability) performed at Invitae indicates that this missense variant is not expected to disrupt CTNNA1 protein function. In summary, the available evidence is currently insufficient to determine the role of this variant in disease. Therefore, it has been classified as a Variant of Uncertain Significance.